The following is an entry in ClinVar:

ClinVar aggregate classification (germline): Uncertain significance. Review status: criteria provided, multiple submitters, no conflicts (2 of 4 stars). 2 submissions from 2 submitters: Uncertain significance (2). Last evaluated 2025-08-22.

Conditions:
Inborn genetic diseases. Identifiers: MedGen C0950123, MeSH D030342.
Intellectual disability, autosomal recessive 42 (NEDDSBA). Also called: GLYCOSYLPHOSPHATIDYLINOSITOL BIOSYNTHESIS DEFECT 9; Neurodevelopmental disorder with dysmorphic features, spasticity, and brain abnormalities. Identifiers: Orphanet 88616, MedGen C4014343, MONDO:0014348, OMIM 615802.

Allele frequency attached by ClinVar (database versions not stated): ExAC 0.00002; gnomAD 0.00002; gnomAD exomes 0.00004; TOPMed 0.00004.
gnomAD v4.1: 66 of 1,609,408 alleles (0.0041%); highest among the groups gnomAD compares: Non-Finnish European, 0.0054%; no homozygotes.

Submissions (2):

Ambry Genetics
Classification: Uncertain significance for Inborn genetic diseases. Last evaluated: 2025-08-22. Review status: criteria provided, single submitter. Criteria: Ambry Variant Classification Scheme 2023. Collection method: clinical testing. Allele origin: germline.

Labcorp Genetics (formerly Invitae), Labcorp
Classification: Uncertain significance for Intellectual disability, autosomal recessive 42. Last evaluated: 2022-05-12. Review status: criteria provided, single submitter. Criteria: Invitae Variant Classification Sherloc (09022015). Collection method: clinical testing. Allele origin: germline.
Comment: In summary, the available evidence is currently insufficient to determine the role of this variant in disease. Therefore, it has been classified as a Variant of Uncertain Significance. Algorithms developed to predict the effect of missense changes on protein structure and function (SIFT, PolyPhen-2, Align-GVGD) all suggest that this variant is likely to be tolerated. This variant has not been reported in the literature in individuals affected with PGAP1-related conditions. This variant is present in population databases (rs760233909, gnomAD 0.004%). This sequence change replaces valine, which is neutral and non-polar, with isoleucine, which is neutral and non-polar, at codon 15 of the PGAP1 protein (p.Val15Ile).

NM_024989.4(PGAP1):c.43G>A (p.Val15Ile)

Gene: PGAP1 (post-GPI attachment to proteins inositol deacylase 1; minus strand). Cytogenetic location: 2q33.1.
Variant type: single nucleotide variant.
Coding change: c.43G>A on transcript NM_024989.4 (MANE Select); coding-DNA position 43, G replaced by A.
Protein change: p.Val15Ile; replaces valine 15 with isoleucine.
Molecular consequence: missense variant. On other transcripts: 5 prime UTR variant (2).
Genome position (GRCh38, 1-based): chr2:196,926,574, C>T on the plus strand (G>A on the coding strand, the complement: PGAP1 is on the minus strand). VCF-style: chr2-196926574-C-T. GRCh37 (hg19) VCF-style: chr2-197791298-C-T.
Other names: c.-564G>A (NM_001321099.2); c.-1069G>A (NM_001321100.2); short protein forms V15I.
Identifiers: ClinVar variation 1988943 (VCV001988943.4), dbSNP rs760233909, ClinGen allele CA2041312.